The following is an entry in ClinVar:

ClinVar aggregate classification (germline): Benign/Likely benign. Review status: criteria provided, multiple submitters, no conflicts (2 of 4 stars). 7 submissions from 7 submitters: Benign (1); Likely benign (6). Last evaluated 2024-10-03.

Conditions:
Cardiovascular phenotype. Identifiers: MedGen CN230736.
Cardiomyopathy (CMYO). Also called: Cardiomyopathies. Identifiers: Orphanet 167848, MedGen C0878544, MONDO:0004994, HP:0001638. Inheritance: Various modes of inheritance.
Lethal congenital glycogen storage disease of heart. Also called: GLYCOGEN STORAGE DISEASE OF HEART; PHOSPHORYLASE KINASE DEFICIENCY OF HEART. Identifiers: Orphanet 439854, MedGen C1849813, MONDO:0009867, OMIM 261740.
Hypertrophic cardiomyopathy. Also called: HYPERTROPHIC MYOCARDIOPATHY. Identifiers: Orphanet 217569, MedGen C0007194, MeSH D002312, MONDO:0005045, HP:0001639.

Allele frequency attached by ClinVar (database versions not stated): TOPMed 0.00001.
gnomAD v4.1: 12 of 1,609,502 alleles (0.00075%); highest among the groups gnomAD compares: Non-Finnish European, 0.00085%; no homozygotes.

Submissions (7):

Labcorp Genetics (formerly Invitae), Labcorp
Classification: Likely benign for Lethal congenital glycogen storage disease of heart. Last evaluated: 2024-10-03. Review status: criteria provided, single submitter. Criteria: Invitae Variant Classification Sherloc (09022015). Collection method: clinical testing. Allele origin: germline.

All of Us Research Program, National Institutes of Health
Classification: Likely benign for Hypertrophic cardiomyopathy. Last evaluated: 2023-11-30. Review status: criteria provided, single submitter. Criteria: ACMG Guidelines, 2015. Collection method: clinical testing. Allele origin: germline. Inheritance: Autosomal dominant inheritance. Observed: 1 variant allele, 1 heterozygote.
Comment: This study involves interpretation of variants in research participants for the purpose of population health screening. Participant phenotype was not available at the time of variant classification. Additional details can be found in publication PMID: 35346344, PMCID: PMC8962531

Blueprint Genetics
Classification: Likely benign. Last evaluated: 2023-10-27. Review status: criteria provided, single submitter. Criteria: ACMG Guidelines, 2015. Collection method: clinical testing. Allele origin: germline.

Color Diagnostics, LLC DBA Color Health
Classification: Likely benign for Cardiomyopathy. Last evaluated: 2021-03-03. Review status: criteria provided, single submitter. Criteria: ACMG Guidelines, 2015. Collection method: clinical testing. Allele origin: germline.

Molecular Diagnostic Laboratory for Inherited Cardiovascular Disease, Montreal Heart Institute
Classification: Likely benign. Last evaluated: 2020-03-27. Review status: criteria provided, single submitter. Criteria: ACMG Guidelines, 2015. Collection method: clinical testing. Allele origin: germline. Affected: yes.

GeneDx
Classification: Benign. Last evaluated: 2015-03-03. Review status: criteria provided, single submitter. Criteria: GeneDx Variant Classification Process June 2021. Collection method: clinical testing. Allele origin: germline. Affected: yes.

Ambry Genetics
Classification: Likely benign for Cardiovascular phenotype. Last evaluated: 2012-08-13. Review status: criteria provided, single submitter. Criteria: Ambry Autosomal Dominant and X-Linked criteria (10/2015). Collection method: clinical testing. Allele origin: germline. Observed: 1 variant allele.

NM_016203.4(PRKAG2):c.66C>G (p.Gly22=)

Gene: PRKAG2 (protein kinase AMP-activated non-catalytic subunit gamma 2; minus strand). Cytogenetic location: 7q36.1.
Variant type: single nucleotide variant.
Coding change: c.66C>G on transcript NM_016203.4 (MANE Select); coding-DNA position 66, C replaced by G.
Protein change: p.Gly22=; no amino-acid change (glycine 22 retained).
Molecular consequence: synonymous variant.
Genome position (GRCh38, 1-based): chr7:151,876,555, G>C on the plus strand (C>G on the coding strand, the complement: PRKAG2 is on the minus strand). VCF-style: chr7-151876555-G-C. GRCh37 (hg19) VCF-style: chr7-151573640-G-C.
Identifiers: ClinVar variation 263384 (VCV000263384.18), dbSNP rs730880971, ClinGen allele CA10587644.